The following is an entry in ClinVar:

ClinVar aggregate classification (germline): Pathogenic (1 of 4 stars; one submission).

Conditions:
DICER1-related tumor predisposition. Also called: DICER1-related pleuropulmonary blastoma cancer predisposition syndrome; DICER1 syndrome. Identifiers: Orphanet 284343, MedGen C3839822, MONDO:0100216.

Submission:

Labcorp Genetics (formerly Invitae), Labcorp
Classification: Pathogenic for DICER1-related tumor predisposition. Last evaluated: 2019-06-26. Review status: criteria provided, single submitter. Criteria: Invitae Variant Classification Sherloc (09022015). Collection method: clinical testing. Allele origin: germline.
Comment: This sequence change creates a premature translational stop signal (p.Thr734Argfs*25) in the DICER1 gene. It is expected to result in an absent or disrupted protein product. This variant is not present in population databases (ExAC no frequency). This variant has not been reported in the literature in individuals with DICER1-related disease. ClinVar contains an entry for this variant (Variation ID: 477091). Loss-of-function variants in DICER1 are known to be pathogenic (PMID: 19556464, 21266384). For these reasons, this variant has been classified as Pathogenic.

Literature cited by the submitters: PubMed 19556464; PubMed 21266384.

NM_177438.3(DICER1):c.2199_2200dup (p.Thr734fs)

Gene: DICER1 (dicer 1, ribonuclease III; minus strand). Cytogenetic location: 14q32.13.
Variant type: Microsatellite.
Coding change: c.2199_2200dup on transcript NM_177438.3 (MANE Select); coding-DNA positions 2199 to 2200, 2 bases duplicated (GA; older notation c.2199_2200dupGA).
Protein change: p.Thr734fs; shifts the reading frame from threonine 734.
Molecular consequence: frameshift variant.
Genome position (GRCh38, 1-based): chr14:95,111,373-95,111,374, TC duplicated on the plus strand (GA on the coding strand, the reverse complement: DICER1 is on the minus strand); duplicating any 2 consecutive bases within chr14:95,111,373-95,111,377 gives the same sequence; the c. name uses the placement nearest the transcript's 3' end. VCF-style (leftmost placement, unchanged base first): chr14-95111372-G-GTC. GRCh37 (hg19) VCF-style: chr14-95577709-G-GTC.
Other names: c.2199_2200dup, p.Thr734fs (NM_001195573.1, NM_001271282.3, NM_001291628.2 and 1 more transcripts); c.2199_2200dup (NM_177438.2); short protein forms T734fs.
Identifiers: ClinVar variation 477091 (VCV000477091.10), dbSNP rs1555371596, ClinGen allele CA658656441.
Genomic context (GRCh38, chr14:95,111,372, plus strand): 5'-CTAACTGCTTTTGGGTAGCACTGCCTTCGTTTCGTGGAACCTGGTCTTCCTGGAACACTG[G>GTC]TCTCTTCTTCATCATGCAAATCAAGCTCCTCTTCATATTTAACAGTCTCTTTCCCAACTG-3'